The following is an entry in ClinVar:

ClinVar aggregate classification (germline): Uncertain significance (1 of 4 stars; one submission).

Allele frequency attached by ClinVar (database versions not stated): ExAC 0.00001; gnomAD exomes 0.00001; TOPMed 0.00002; gnomAD 0.00003.
gnomAD v4.1: 9 of 1,613,868 alleles (0.00056%); highest among the groups gnomAD compares: African/African-American, 0.0053%; no homozygotes.

Submission:

Labcorp Genetics (formerly Invitae), Labcorp
Classification: Uncertain significance. Last evaluated: 2025-02-15. Review status: criteria provided, single submitter. Criteria: Invitae Variant Classification Sherloc (09022015). Collection method: clinical testing. Allele origin: germline.
Comment: This sequence change replaces threonine, which is neutral and polar, with serine, which is neutral and polar, at codon 216 of the MTHFD1 protein (p.Thr216Ser). This variant is present in population databases (rs768200873, gnomAD 0.01%). This variant has not been reported in the literature in individuals affected with MTHFD1-related conditions. ClinVar contains an entry for this variant (Variation ID: 1987168). Invitae Evidence Modeling of protein sequence and biophysical properties (such as structural, functional, and spatial information, amino acid conservation, physicochemical variation, residue mobility, and thermodynamic stability) indicates that this missense variant is not expected to disrupt MTHFD1 protein function with a negative predictive value of 80%. In summary, the available evidence is currently insufficient to determine the role of this variant in disease. Therefore, it has been classified as a Variant of Uncertain Significance.

NM_005956.4(MTHFD1):c.647C>G (p.Thr216Ser)

Gene: MTHFD1 (methylenetetrahydrofolate dehydrogenase, cyclohydrolase and formyltetrahydrofolate synthetase 1; plus strand). Cytogenetic location: 14q23.3.
Variant type: single nucleotide variant.
Coding change: c.647C>G on transcript NM_005956.4 (MANE Select); coding-DNA position 647, C replaced by G.
Protein change: p.Thr216Ser; replaces threonine 216 with serine.
Molecular consequence: missense variant.
Genome position (GRCh38, 1-based): chr14:64,419,845, C>G. VCF-style: chr14-64419845-C-G. GRCh37 (hg19) VCF-style: chr14-64886563-C-G.
Other names: c.647C>G, p.Thr216Ser (NM_001364837.1); short protein forms T216S.
Identifiers: ClinVar variation 1987168 (VCV001987168.3), dbSNP rs768200873, ClinGen allele CA7226006.